The following is an entry in ClinVar:

ClinVar aggregate classification (germline): Uncertain significance (1 of 4 stars; one submission).

Allele frequency attached by ClinVar (database versions not stated): gnomAD exomes below 0.00001.
gnomAD v4.1: 1 of 1,565,548 alleles (0.000064%); highest among the groups gnomAD compares: Non-Finnish European, 0.000088%; no homozygotes.

Submission:

Labcorp Genetics (formerly Invitae), Labcorp
Classification: Uncertain significance. Last evaluated: 2025-09-02. Review status: criteria provided, single submitter. Criteria: Invitae Variant Classification Sherloc (09022015). Collection method: clinical testing. Allele origin: germline.
Comment: This sequence change replaces serine, which is neutral and polar, with phenylalanine, which is neutral and non-polar, at codon 288 of the SI protein (p.Ser288Phe). This variant is not present in population databases (gnomAD no frequency). This variant has not been reported in the literature in individuals affected with SI-related conditions. ClinVar contains an entry for this variant (Variation ID: 2776117). Invitae Evidence Modeling of protein sequence and biophysical properties (such as structural, functional, and spatial information, amino acid conservation, physicochemical variation, residue mobility, and thermodynamic stability) indicates that this missense variant is not expected to disrupt SI protein function with a negative predictive value of 95%. In summary, the available evidence is currently insufficient to determine the role of this variant in disease. Therefore, it has been classified as a Variant of Uncertain Significance.

NM_001041.4(SI):c.863C>T (p.Ser288Phe)

Gene: SI (sucrase-isomaltase; minus strand). Cytogenetic location: 3q26.1.
Variant type: single nucleotide variant.
Coding change: c.863C>T on transcript NM_001041.4 (MANE Select); coding-DNA position 863, C replaced by T.
Protein change: p.Ser288Phe; replaces serine 288 with phenylalanine.
Molecular consequence: missense variant.
Genome position (GRCh38, 1-based): chr3:165,063,486, G>A on the plus strand (C>T on the coding strand, the complement: SI is on the minus strand). VCF-style: chr3-165063486-G-A. GRCh37 (hg19) VCF-style: chr3-164781274-G-A.
Other names: short protein forms S288F.
Identifiers: ClinVar variation 2776117 (VCV002776117.3), dbSNP rs2473422037, ClinGen allele CA355031694.